The following is an entry in ClinVar:

ClinVar aggregate classification (germline): Likely pathogenic (1 of 4 stars; one submission).

Conditions:
VPS33B-related disorder. Also called: VPS33B-related condition.

Submission:

PreventionGenetics, part of Exact Sciences
Classification: Likely pathogenic for VPS33B-related condition. Last evaluated: 2026-03-03. Review status: criteria provided, single submitter. Criteria: ACMG Guidelines, 2015. Collection method: clinical testing. Allele origin: germline.
Comment: The VPS33B c.451delG variant is predicted to result in a frameshift and premature protein termination (p.Asp151Ilefs*3). To our knowledge, this variant has not been reported in the literature or in a large population database (gnomAD), indicating this variant is rare. Frameshift variants in VPS33B are expected to be pathogenic. This variant is interpreted as likely pathogenic.

NM_018668.5(VPS33B):c.451del (p.Asp151fs)

Gene: VPS33B (VPS33B late endosome and lysosome associated; minus strand). Cytogenetic location: 15q26.1.
Variant type: Deletion.
Coding change: c.451del on transcript NM_018668.5 (MANE Select); coding-DNA position 451, one base deleted (G; older notation c.451delG).
Protein change: p.Asp151fs; shifts the reading frame from aspartic acid 151.
Molecular consequence: frameshift variant.
Genome position (GRCh38, 1-based): chr15:91,007,917, C deleted on the plus strand (G on the coding strand, the reverse complement: VPS33B is on the minus strand); the first of 2 consecutive C bases (chr15:91,007,917-91,007,918); deleting either gives the same sequence. VCF-style (leftmost placement, unchanged base first): chr15-91007916-TC-T. GRCh37 (hg19) VCF-style: chr15-91551146-TC-T.
Other names: c.451delG (NM_018668.4); c.370del, p.Asp124fs (NM_001289148.1); c.178del, p.Asp60fs (NM_001289149.1); short protein forms D151fs, D60fs, D124fs.
Identifiers: ClinVar variation 4992117 (VCV004992117.1).